The following is an entry in ClinVar:

NM_000417.3(IL2RA):c.248C>G (p.Thr83Arg)

Gene: IL2RA (interleukin 2 receptor subunit alpha; minus strand). Cytogenetic location: 10p15.1.
Variant type: single nucleotide variant.
Coding change: c.248C>G on transcript NM_000417.3 (MANE Select); coding-DNA position 248, C replaced by G.
Protein change: p.Thr83Arg; replaces threonine 83 with arginine.
Molecular consequence: missense variant.
Genome position (GRCh38, 1-based): chr10:6,025,842, G>C on the plus strand (C>G on the coding strand, the complement: IL2RA is on the minus strand). VCF-style: chr10-6025842-G-C. GRCh37 (hg19) VCF-style: chr10-6067805-G-C.
Other names: c.248C>G, p.Thr83Arg (NM_001308242.2, NM_001308243.2); short protein forms T83R.
Identifiers: ClinVar variation 4704981 (VCV004704981.1).
Genomic context (GRCh38, chr10:6,025,842, plus strand): 5'-CACTCTTTGCTGCAGTTCTTTTGTTCTTGGTAGTCACAGAAGGGACACTTACCAGAGCTT[G>C]TGCATTGACATTGGTTGTCCCAGGACGAGTGGCTAGAGTTTCCTGTACAGAGCATATAGA-3'
Protein context (NP_000408.1, residues 73-93): HSSWDNQCQC[Thr83Arg]SSATRNTTKQ

ClinVar aggregate classification (germline): Uncertain significance (1 of 4 stars; one submission).

Conditions:
Immunodeficiency due to CD25 deficiency. Also called: IL2RA DEFICIENCY; IMMUNODEFICIENCY 41 WITH LYMPHOPROLIFERATION AND AUTOIMMUNITY; CD25 DEFICIENCY. Identifiers: Orphanet 169100, MedGen C1853392, MONDO:0011664, OMIM 606367.

Submission:

Labcorp Genetics (formerly Invitae), Labcorp
Classification: Uncertain significance for Immunodeficiency due to CD25 deficiency. Last evaluated: 2025-08-04. Review status: criteria provided, single submitter. Criteria: Invitae Variant Classification Sherloc (09022015). Collection method: clinical testing. Allele origin: germline.
Comment: This sequence change replaces threonine, which is neutral and polar, with arginine, which is basic and polar, at codon 83 of the IL2RA protein (p.Thr83Arg). This variant is not present in population databases (gnomAD no frequency). This variant has not been reported in the literature in individuals affected with IL2RA-related conditions. Invitae Evidence Modeling of protein sequence and biophysical properties (such as structural, functional, and spatial information, amino acid conservation, physicochemical variation, residue mobility, and thermodynamic stability) indicates that this missense variant is not expected to disrupt IL2RA protein function with a negative predictive value of 80%. In summary, the available evidence is currently insufficient to determine the role of this variant in disease. Therefore, it has been classified as a Variant of Uncertain Significance.